The following is an entry in ClinVar:

NM_003242.6(TGFBR2):c.1649G>A (p.Arg550Lys)

Gene: TGFBR2 (transforming growth factor beta receptor 2; plus strand). Cytogenetic location: 3p24.1.
Variant type: single nucleotide variant.
Coding change: c.1649G>A on transcript NM_003242.6 (MANE Select); coding-DNA position 1649, G replaced by A.
Protein change: p.Arg550Lys; replaces arginine 550 with lysine.
Molecular consequence: missense variant.
Genome position (GRCh38, 1-based): chr3:30,691,544, G>A. VCF-style: chr3-30691544-G-A. GRCh37 (hg19) VCF-style: chr3-30733036-G-A.
Other names: c.1724G>A, p.Arg575Lys (NM_001024847.3); c.1832G>A, p.Arg611Lys (NM_001407126.1); c.1757G>A, p.Arg586Lys (NM_001407127.1); c.1676G>A, p.Arg559Lys (NM_001407128.1); c.1652G>A, p.Arg551Lys (NM_001407129.1); c.1646G>A, p.Arg549Lys (NM_001407130.1); c.1544G>A, p.Arg515Lys (NM_001407132.1, NM_001407133.1, NM_001407134.1 and 2 more transcripts); c.1364G>A, p.Arg455Lys (NM_001407137.1); and 2 more; short protein forms R430K, R559K, R586K, R515K, R260K, R549K, R550K, R575K.
Identifiers: ClinVar variation 1913705 (VCV001913705.5), dbSNP rs2125455644, ClinGen allele CA351809743.
Genomic context (GRCh38, chr3:30,691,544, plus strand): 5'-CAGCCCAGTGTGTGGCAGAACGCTTCAGTGAGCTGGAGCATCTGGACAGGCTCTCGGGGA[G>A]GAGCTGCTCGGAGGAGAAGATTCCTGAAGACGGCTCCCTAAACACTACCAAATAGCTCTT-3'
Protein context (NP_003233.4, residues 540-560): ELEHLDRLSG[Arg550Lys]SCSEEKIPED

ClinVar aggregate classification (germline): Uncertain significance (1 of 4 stars; one submission).

Conditions:
Familial thoracic aortic aneurysm and aortic dissection (TAAD). Also called: Thoracic aortic aneurysms and dissections. Identifiers: Orphanet 91387, MedGen C4707243, MONDO:0019625.

gnomAD v4.1: 1 of 1,614,134 alleles (0.000062%); no homozygotes.

Submission:

Labcorp Genetics (formerly Invitae), Labcorp
Classification: Uncertain significance for Familial thoracic aortic aneurysm and aortic dissection. Last evaluated: 2022-04-24. Review status: criteria provided, single submitter. Criteria: Invitae Variant Classification Sherloc (09022015). Collection method: clinical testing. Allele origin: germline.
Comment: This sequence change replaces arginine, which is basic and polar, with lysine, which is basic and polar, at codon 550 of the TGFBR2 protein (p.Arg550Lys). This variant is not present in population databases (gnomAD no frequency). This variant has not been reported in the literature in individuals affected with TGFBR2-related conditions. Advanced modeling of protein sequence and biophysical properties (such as structural, functional, and spatial information, amino acid conservation, physicochemical variation, residue mobility, and thermodynamic stability) performed at Invitae indicates that this missense variant is not expected to disrupt TGFBR2 protein function. In summary, the available evidence is currently insufficient to determine the role of this variant in disease. Therefore, it has been classified as a Variant of Uncertain Significance.